The following is an entry in ClinVar:

NM_130837.3(OPA1):c.2179-81G>T

Gene: OPA1 (OPA1 mitochondrial dynamin like GTPase; plus strand). Cytogenetic location: 3q29.
Variant type: single nucleotide variant.
Coding change: c.2179-81G>T on transcript NM_130837.3 (MANE Select); 81 bases into the intron before coding-DNA position 2179, G replaced by T.
Molecular consequence: intron variant.
Genome position (GRCh38, 1-based): chr3:193,656,999, G>T. VCF-style: chr3-193656999-G-T. GRCh37 (hg19) VCF-style: chr3-193374788-G-T.
Other names: c.1642-81G>T (NM_001354664.2); c.1645-81G>T (NM_001354663.2); c.2068-81G>T (NM_130834.3); c.2125-81G>T (NM_130836.3); c.2014-81G>T (NM_015560.3); c.2071-81G>T (NM_130835.3); c.1960-81G>T (NM_130832.3); c.2017-81G>T (NM_130833.3); and 1 more.
Identifiers: ClinVar variation 671670 (VCV000671670.2), dbSNP rs75116447, ClinGen allele CA90544349.

ClinVar aggregate classification (germline): Benign. Review status: criteria provided, multiple submitters, no conflicts (2 of 4 stars). 2 submissions from 2 submitters: Benign (2). Last evaluated 2018-06-16.

Allele frequency attached by ClinVar (database versions not stated): gnomAD 0.03503 and 0.03783; 1000 Genomes Project 0.03814; TOPMed 0.03898; 1000 Genomes Project 30x 0.03935.
gnomAD v4.1: 9,187 of 1,219,858 alleles (0.75%); highest among the groups gnomAD compares: African/African-American, 12%; 546 homozygotes.

Submissions (2):

GeneDx
Classification: Benign. Last evaluated: 2018-06-16. Review status: criteria provided, single submitter. Criteria: GeneDx Variant Classification (06012015). Collection method: clinical testing. Allele origin: germline. Affected: yes.
Comment: This variant is considered likely benign or benign based on one or more of the following criteria: it is a conservative change, it occurs at a poorly conserved position in the protein, it is predicted to be benign by multiple in silico algorithms, and/or has population frequency not consistent with disease.

Breakthrough Genomics
Classification: Benign. Review status: criteria provided, single submitter. Criteria: ACMG Guidelines, 2015. Collection method: not provided. Allele origin: germline. Inheritance: Autosomal recessive inheritance. Affected: yes.